The following is an entry in ClinVar:

ClinVar aggregate classification (germline): Pathogenic. Review status: criteria provided, single submitter (1 of 4 stars). 3 submissions from 3 submitters: Pathogenic (1). 2 of the submissions do not count toward it. Last evaluated 2025-02-27.

Conditions:
Holoprosencephaly 3 (HPE3). Identifiers: Orphanet 2162, MedGen C1840529, MONDO:0007733, OMIM 142945.

Submissions (3):

Laboratory of Molecular Genetics, CHU Rennes
Classification: Pathogenic for Holoprosencephaly 3. Last evaluated: 2025-02-27. Review status: criteria provided, single submitter. Criteria: ACMG Guidelines, 2015. Collection method: clinical testing. Allele origin: de novo. Inheritance: Autosomal dominant inheritance. Affected: yes.
Comment: The NM_000193.4:c.298C>T, is a nonsense variant in SHH which is predicted to result in a premature stop codon at position 100, and likely results in an absent or disrupted protein product (PVS1). This variant This variant occurred de novo (PS2). This variant is not present in gnomAD (PM2). In summary, this variant meets criteria to be classified as pathogenic for holoprosencephaly based on the ACMG criteria applied.

GeneReviews
Classification: Pathogenic for Holoprosencephaly. Last evaluated: 2013-08-29. Review status: no assertion criteria provided. Collection method: curation. Allele origin: unknown. Not counted in ClinVar's aggregate classification.
ClinVar note: Converted during submission from pathologic to Pathogenic.

OMIM
Classification: Pathogenic for HOLOPROSENCEPHALY 3. Last evaluated: 1996-11-01. Review status: no assertion criteria provided. Collection method: literature only. Allele origin: germline. Not counted in ClinVar's aggregate classification.

Literature cited by the submitters: PubMed 8896572 (cited by OMIM).

NM_000193.4(SHH):c.298C>T (p.Gln100Ter)

Gene: SHH (sonic hedgehog signaling molecule; minus strand). Cytogenetic location: 7q36.3.
Variant type: single nucleotide variant.
Coding change: c.298C>T on transcript NM_000193.4 (MANE Select); coding-DNA position 298, C replaced by T.
Protein change: p.Gln100Ter; replaces glutamine 100 with a stop codon.
Molecular consequence: nonsense.
Genome position (GRCh38, 1-based): chr7:155,811,825, G>A on the plus strand (C>T on the coding strand, the complement: SHH is on the minus strand). VCF-style: chr7-155811825-G-A. GRCh37 (hg19) VCF-style: chr7-155604519-G-A.
Other names: c.298C>T; short protein forms Q100*.
Identifiers: ClinVar variation 8878 (VCV000008878.4), dbSNP rs104894044, ClinGen allele CA340827.